The following is an entry in ClinVar:

ClinVar aggregate classification (germline): Uncertain significance. Review status: criteria provided, multiple submitters, no conflicts (2 of 4 stars). 2 submissions from 2 submitters: Uncertain significance (2). Last evaluated 2024-10-30.

Conditions:
Inborn genetic diseases. Identifiers: MedGen C0950123, MeSH D030342.

Allele frequency attached by ClinVar (database versions not stated): ESP Exome Variant Server 0.00008; TOPMed 0.00012.
gnomAD v4.1: 29 of 1,613,876 alleles (0.0018%); highest among the groups gnomAD compares: African/African-American, 0.039%; no homozygotes.

Submissions (2):

Labcorp Genetics (formerly Invitae), Labcorp
Classification: Uncertain significance. Last evaluated: 2024-10-30. Review status: criteria provided, single submitter. Criteria: Invitae Variant Classification Sherloc (09022015). Collection method: clinical testing. Allele origin: germline.
Comment: This sequence change replaces alanine, which is neutral and non-polar, with proline, which is neutral and non-polar, at codon 360 of the VCAN protein (p.Ala360Pro). This variant is present in population databases (rs374992475, gnomAD 0.03%). This variant has not been reported in the literature in individuals affected with VCAN-related conditions. ClinVar contains an entry for this variant (Variation ID: 1002138). An algorithm developed to predict the effect of missense changes on protein structure and function (PolyPhen-2) suggests that this variant is likely to be tolerated. In summary, the available evidence is currently insufficient to determine the role of this variant in disease. Therefore, it has been classified as a Variant of Uncertain Significance.

Ambry Genetics
Classification: Uncertain significance for Inborn genetic diseases. Last evaluated: 2024-03-04. Review status: criteria provided, single submitter. Criteria: Ambry Variant Classification Scheme 2023. Collection method: clinical testing. Allele origin: germline.

NM_004385.5(VCAN):c.1078G>C (p.Ala360Pro)

Gene: VCAN (versican; plus strand). Cytogenetic location: 5q14.3.
Variant type: single nucleotide variant.
Coding change: c.1078G>C on transcript NM_004385.5 (MANE Select); coding-DNA position 1078, G replaced by C.
Protein change: p.Ala360Pro; replaces alanine 360 with proline.
Molecular consequence: missense variant. On other transcripts: intron variant (2).
Genome position (GRCh38, 1-based): chr5:83,519,384, G>C. VCF-style: chr5-83519384-G-C. GRCh37 (hg19) VCF-style: chr5-82815203-G-C.
Other names: c.1078G>C, p.Ala360Pro (NM_001164098.2); c.1042+6988G>C (NM_001164097.2, NM_001126336.3); c.1078G>C (NM_004385.4); short protein forms A360P.
Identifiers: ClinVar variation 1002138 (VCV001002138.9), dbSNP rs374992475, ClinGen allele CA3332609.